The following is an entry in ClinVar:

ClinVar aggregate classification (germline): Conflicting classifications of pathogenicity. Review status: criteria provided, conflicting classifications (1 of 4 stars). 4 submissions from 4 submitters: Uncertain significance (2); Likely benign (2). Last evaluated 2025-12-15.

Conditions:
Inborn genetic diseases. Identifiers: MedGen C0950123, MeSH D030342.
Familial focal epilepsy with variable foci (FPEVF). Identifiers: Orphanet 98820, MedGen C1858477, MONDO:0020310.

Allele frequency attached by ClinVar (database versions not stated): ESP Exome Variant Server 0.00008; TOPMed 0.00009.
gnomAD v4.1: 53 of 1,614,024 alleles (0.0033%); highest among the groups gnomAD compares: Non-Finnish European, 0.0037%; no homozygotes.

Submissions (4):

Labcorp Genetics (formerly Invitae), Labcorp
Classification: Uncertain significance for Familial focal epilepsy with variable foci. Last evaluated: 2025-12-15. Review status: criteria provided, single submitter. Criteria: Invitae Variant Classification Sherloc (09022015). Collection method: clinical testing. Allele origin: germline.
Comment: This sequence change replaces arginine, which is basic and polar, with histidine, which is basic and polar, at codon 509 of the DEPDC5 protein (p.Arg509His). This variant is present in population databases (rs372489331, gnomAD 0.006%). This variant has not been reported in the literature in individuals affected with DEPDC5-related conditions. ClinVar contains an entry for this variant (Variation ID: 565512). Experimental studies and prediction algorithms are not available or were not evaluated, and the functional significance of this variant is currently unknown. In summary, the available evidence is currently insufficient to determine the role of this variant in disease. Therefore, it has been classified as a Variant of Uncertain Significance.

CeGaT Center for Human Genetics Tuebingen
Classification: Uncertain significance. Last evaluated: 2024-02-01. Review status: criteria provided, single submitter. Criteria: CeGaT Center For Human Genetics Tuebingen Variant Classification Criteria Version 2. Collection method: clinical testing. Allele origin: germline. Affected: yes. Observed: 3 variant alleles.
Comment: DEPDC5: PM5, BP4

Blueprint Genetics
Classification: Likely benign. Last evaluated: 2023-09-21. Review status: criteria provided, single submitter. Criteria: ACMG Guidelines, 2015. Collection method: clinical testing. Allele origin: germline.

Ambry Genetics
Classification: Likely benign for Inborn genetic diseases. Last evaluated: 2021-06-18. Review status: criteria provided, single submitter. Criteria: Ambry Variant Classification Scheme 2023. Collection method: clinical testing. Allele origin: germline.

NM_001242896.3(DEPDC5):c.1526G>A (p.Arg509His)

Gene: DEPDC5 (DEP domain containing 5, GATOR1 subcomplex subunit; plus strand). Cytogenetic location: 22q12.3.
Variant type: single nucleotide variant.
Coding change: c.1526G>A on transcript NM_001242896.3 (MANE Select); coding-DNA position 1526, G replaced by A.
Protein change: p.Arg509His; replaces arginine 509 with histidine.
Molecular consequence: missense variant. On other transcripts: non-coding transcript variant (5).
Genome position (GRCh38, 1-based): chr22:31,815,072, G>A. VCF-style: chr22-31815072-G-A. GRCh37 (hg19) VCF-style: chr22-32211058-G-A.
Other names: c.1526G>A, p.Arg509His (NM_001007188.4, NM_001136029.4, NM_001242897.2 and 7 more transcripts); c.1442G>A, p.Arg481His (NM_001369901.1, NM_001369902.1); short protein forms R509H, R481H.
Identifiers: ClinVar variation 565512 (VCV000565512.50), dbSNP rs372489331, ClinGen allele CA10196398.
Genomic context (GRCh38, chr22:31,815,072, plus strand): 5'-GTCACAGTCGAAAGAGTGCCAGCTCCTGTGATGTTTCATCCAGCCCTTCCCTACCAAGCC[G>A]CACACTGCCCACTGAGGAAGTGAGGAGCCAGGCTTCTGACGACAGCTCCCTAGGCAAGAG-3'
Protein context (NP_001229825.1, residues 499-519): DVSSSPSLPS[Arg509His]TLPTEEVRSQ